The following is an entry in ClinVar:

NM_145207.3(AFG2A):c.680G>A (p.Ser227Asn)

Gene: AFG2A (AAA ATPase AFG2A; plus strand). Cytogenetic location: 4q28.1.
Variant type: single nucleotide variant.
Coding change: c.680G>A on transcript NM_145207.3 (MANE Select); coding-DNA position 680, G replaced by A.
Protein change: p.Ser227Asn; replaces serine 227 with asparagine.
Molecular consequence: missense variant.
Genome position (GRCh38, 1-based): chr4:122,934,271, G>A. VCF-style: chr4-122934271-G-A. GRCh37 (hg19) VCF-style: chr4-123855426-G-A.
Other names: c.677G>A, p.Ser226Asn (NM_001317799.2, NM_001345856.2); short protein forms S227N, S226N.
Identifiers: ClinVar variation 1501838 (VCV001501838.5), dbSNP rs1358647368, ClinGen allele CA358101813.

ClinVar aggregate classification (germline): Uncertain significance (1 of 4 stars; one submission).

Conditions:
Microcephaly-intellectual disability-sensorineural hearing loss-epilepsy-abnormal muscle tone syndrome (NEDHSB). Also called: NEURODEVELOPMENTAL DISORDER WITH HEARING LOSS, SEIZURES, AND BRAIN ABNORMALITIES. Identifiers: Orphanet 457351, MedGen C4225276, MONDO:0014698, OMIM 616577.

Allele frequency attached by ClinVar (database versions not stated): gnomAD exomes below 0.00001.
gnomAD v4.1: 1 of 1,614,198 alleles (0.000062%); highest among the groups gnomAD compares: Non-Finnish European, 0.000085%; no homozygotes.

Submission:

Labcorp Genetics (formerly Invitae), Labcorp
Classification: Uncertain significance for Microcephaly-intellectual disability-sensorineural hearing loss-epilepsy-abnormal muscle tone syndrome. Last evaluated: 2024-02-17. Review status: criteria provided, single submitter. Criteria: Invitae Variant Classification Sherloc (09022015). Collection method: clinical testing. Allele origin: germline.
Comment: This sequence change replaces serine, which is neutral and polar, with asparagine, which is neutral and polar, at codon 227 of the SPATA5 protein (p.Ser227Asn). This variant is not present in population databases (gnomAD no frequency). This variant has not been reported in the literature in individuals affected with SPATA5-related conditions. ClinVar contains an entry for this variant (Variation ID: 1501838). Advanced modeling of protein sequence and biophysical properties (such as structural, functional, and spatial information, amino acid conservation, physicochemical variation, residue mobility, and thermodynamic stability) has been performed at Invitae for this missense variant, however the output from this modeling did not meet the statistical confidence thresholds required to predict the impact of this variant on SPATA5 protein function. In summary, the available evidence is currently insufficient to determine the role of this variant in disease. Therefore, it has been classified as a Variant of Uncertain Significance.